The following is an entry in ClinVar:

NM_020822.3(KCNT1):c.567G>A (p.Leu189=)

Gene: KCNT1 (potassium sodium-activated channel subfamily T member 1; plus strand). Cytogenetic location: 9q34.3.
Variant type: single nucleotide variant.
Coding change: c.567G>A on transcript NM_020822.3 (MANE Select); coding-DNA position 567, G replaced by A.
Protein change: p.Leu189=; no amino-acid change (leucine 189 retained).
Molecular consequence: synonymous variant.
Genome position (GRCh38, 1-based): chr9:135,756,899, G>A. VCF-style: chr9-135756899-G-A. GRCh37 (hg19) VCF-style: chr9-138648745-G-A.
Other names: c.423G>A, p.Leu141= (NM_001272003.2).
Identifiers: ClinVar variation 374563 (VCV000374563.15), dbSNP rs372998864, ClinGen allele CA5326519.

ClinVar aggregate classification (germline): Conflicting classifications of pathogenicity. Review status: criteria provided, conflicting classifications (1 of 4 stars). 5 submissions from 5 submitters: Uncertain significance (1); Likely benign (4). Last evaluated 2026-01-12.

Conditions:
Inborn genetic diseases. Identifiers: MedGen C0950123, MeSH D030342.
Developmental and epileptic encephalopathy, 14 (DEE14). Also called: Early infantile epileptic encephalopathy 14. Identifiers: Orphanet 293181, MedGen C3554195, MONDO:0013989, OMIM 614959.
Autosomal dominant nocturnal frontal lobe epilepsy 5. Also called: CILIARY DYSKINESIA, PRIMARY, 28, WITHOUT SITUS INVERSUS; CILIARY DYSKINESIA, PRIMARY, 28, WITH SITUS INVERSUS; Epilepsy, nocturnal frontal lobe, 5; KCNT1-Related Epilepsy. Identifiers: Orphanet 98784, MedGen C3554306, MONDO:0014002, OMIM 615005.

Allele frequency attached by ClinVar (database versions not stated): gnomAD 0.00001; gnomAD exomes 0.00001; ExAC 0.00002; TOPMed 0.00002; ESP Exome Variant Server 0.00008.
gnomAD v4.1: 10 of 1,613,246 alleles (0.00062%); highest among the groups gnomAD compares: Non-Finnish European, 0.00076%; no homozygotes.

Submissions (5):

Labcorp Genetics (formerly Invitae), Labcorp
Classification: Likely benign for Autosomal dominant nocturnal frontal lobe epilepsy 5; Developmental and epileptic encephalopathy, 14. Last evaluated: 2026-01-12. Review status: criteria provided, single submitter. Criteria: Invitae Variant Classification Sherloc (09022015). Collection method: clinical testing. Allele origin: germline.

Blueprint Genetics
Classification: Likely benign. Last evaluated: 2024-04-30. Review status: criteria provided, single submitter. Criteria: ACMG Guidelines, 2015. Collection method: clinical testing. Allele origin: germline.

Ambry Genetics
Classification: Likely benign for Inborn genetic diseases. Last evaluated: 2018-05-11. Review status: criteria provided, single submitter. Criteria: Ambry Variant Classification Scheme 2023. Collection method: clinical testing. Allele origin: germline.

CeGaT Center for Human Genetics Tuebingen
Classification: Uncertain significance. Last evaluated: 2016-08-31. Review status: criteria provided, single submitter. Criteria: Praxis fuer Humangenetik Tuebingen - Variant Classification Criteria. Collection method: clinical testing. Allele origin: germline. Affected: yes. Observed: 2 variant alleles.

GeneDx
Classification: Likely benign. Last evaluated: 2016-08-10. Review status: criteria provided, single submitter. Criteria: GeneDx Variant Classification (06012015). Collection method: clinical testing. Allele origin: germline. Affected: yes.
Comment: This variant is considered likely benign or benign based on one or more of the following criteria: it is a conservative change, it occurs at a poorly conserved position in the protein, it is predicted to be benign by multiple in silico algorithms, and/or has population frequency not consistent with disease.